The following is an entry in ClinVar:

ClinVar aggregate classification (germline): Uncertain significance (1 of 4 stars; one submission).

Conditions:
Glanzmann thrombasthenia. Also called: BLEEDING DISORDER, PLATELET-TYPE, 2; THROMBASTHENIA OF GLANZMANN AND NAEGELI; Thrombasthenia; PLATELET GLYCOPROTEIN IIb-IIIa DEFICIENCY; Glanzmann's thrombasthenia. Identifiers: Orphanet 849, MedGen C0040015, MONDO:0100326.

Allele frequency attached by ClinVar (database versions not stated): gnomAD 0.00002; 1000 Genomes Project 0.00020; 1000 Genomes Project 30x 0.00031.
gnomAD v4.1: 32 of 1,613,344 alleles (0.002%); highest among the groups gnomAD compares: South Asian, 0.033%; no homozygotes.

Submission:

Labcorp Genetics (formerly Invitae), Labcorp
Classification: Uncertain significance for Glanzmann thrombasthenia. Last evaluated: 2023-04-06. Review status: criteria provided, single submitter. Criteria: Invitae Variant Classification Sherloc (09022015). Collection method: clinical testing. Allele origin: germline.
Comment: This sequence change replaces alanine, which is neutral and non-polar, with threonine, which is neutral and polar, at codon 297 of the ITGA2B protein (p.Ala297Thr). This variant is present in population databases (rs531610168, gnomAD 0.03%). This variant has not been reported in the literature in individuals affected with ITGA2B-related conditions. ClinVar contains an entry for this variant (Variation ID: 2181978). An algorithm developed to predict the effect of missense changes on protein structure and function (PolyPhen-2) suggests that this variant is likely to be tolerated. In summary, the available evidence is currently insufficient to determine the role of this variant in disease. Therefore, it has been classified as a Variant of Uncertain Significance.

NM_000419.5(ITGA2B):c.889G>A (p.Ala297Thr)

Gene: ITGA2B (integrin subunit alpha 2b; minus strand). Cytogenetic location: 17q21.31.
Variant type: single nucleotide variant.
Coding change: c.889G>A on transcript NM_000419.5 (MANE Select); coding-DNA position 889, G replaced by A.
Protein change: p.Ala297Thr; replaces alanine 297 with threonine.
Molecular consequence: missense variant.
Genome position (GRCh38, 1-based): chr17:44,384,313, C>T on the plus strand (G>A on the coding strand, the complement: ITGA2B is on the minus strand). VCF-style: chr17-44384313-C-T. GRCh37 (hg19) VCF-style: chr17-42461681-C-T.
Other names: short protein forms A297T.
Identifiers: ClinVar variation 2181978 (VCV002181978.4), dbSNP rs531610168, ClinGen allele CA8603304.